The following is an entry in ClinVar:

NM_001851.6(COL9A1):c.1304A>G (p.Lys435Arg)

Gene: COL9A1 (collagen type IX alpha 1 chain; minus strand). Cytogenetic location: 6q13.
Variant type: single nucleotide variant.
Coding change: c.1304A>G on transcript NM_001851.6 (MANE Select); coding-DNA position 1304, A replaced by G.
Protein change: p.Lys435Arg; replaces lysine 435 with arginine.
Molecular consequence: missense variant. On other transcripts: non-coding transcript variant (1).
Genome position (GRCh38, 1-based): chr6:70,266,754, T>C on the plus strand (A>G on the coding strand, the complement: COL9A1 is on the minus strand). VCF-style: chr6-70266754-T-C. GRCh37 (hg19) VCF-style: chr6-70976457-T-C.
Other names: c.575A>G, p.Lys192Arg (NM_001377289.1, NM_001377290.1, NM_078485.4); c.1304A>G (NM_001851.4); short protein forms K192R, K435R.
Identifiers: ClinVar variation 1481532 (VCV001481532.8), dbSNP rs201798341, ClinGen allele CA140877073.

ClinVar aggregate classification (germline): Uncertain significance. Review status: criteria provided, multiple submitters, no conflicts (2 of 4 stars). 2 submissions from 2 submitters: Uncertain significance (2). Last evaluated 2024-07-17.

Conditions:
Inborn genetic diseases. Identifiers: MedGen C0950123, MeSH D030342.

Allele frequency attached by ClinVar (database versions not stated): gnomAD exomes below 0.00001; gnomAD 0.00001; TOPMed 0.00002; ESP Exome Variant Server 0.00008; 1000 Genomes Project 30x 0.00016; 1000 Genomes Project 0.00020.
gnomAD v4.1: 3 of 1,613,510 alleles (0.00019%); highest among the groups gnomAD compares: African/African-American, 0.004%; no homozygotes.

Submissions (2):

Ambry Genetics
Classification: Uncertain significance for Inborn genetic diseases. Last evaluated: 2024-07-17. Review status: criteria provided, single submitter. Criteria: Ambry Variant Classification Scheme 2023. Collection method: clinical testing. Allele origin: germline.

Labcorp Genetics (formerly Invitae), Labcorp
Classification: Uncertain significance. Last evaluated: 2022-11-03. Review status: criteria provided, single submitter. Criteria: Invitae Variant Classification Sherloc (09022015). Collection method: clinical testing. Allele origin: germline.
Comment: In summary, the available evidence is currently insufficient to determine the role of this variant in disease. Therefore, it has been classified as a Variant of Uncertain Significance. Advanced modeling of protein sequence and biophysical properties (such as structural, functional, and spatial information, amino acid conservation, physicochemical variation, residue mobility, and thermodynamic stability) performed at Invitae indicates that this missense variant is not expected to disrupt COL9A1 protein function. ClinVar contains an entry for this variant (Variation ID: 1481532). This variant has not been reported in the literature in individuals affected with COL9A1-related conditions. This variant is present in population databases (rs201798341, gnomAD 0.007%). This sequence change replaces lysine, which is basic and polar, with arginine, which is basic and polar, at codon 435 of the COL9A1 protein (p.Lys435Arg).